The following is an entry in ClinVar:

NM_020975.6(RET):c.1649-7T>C

Gene: RET (ret proto-oncogene; plus strand). Cytogenetic location: 10q11.21.
Variant type: single nucleotide variant.
Coding change: c.1649-7T>C on transcript NM_020975.6 (MANE Select); 7 bases into the intron before coding-DNA position 1649, T replaced by C.
Molecular consequence: intron variant.
Genome position (GRCh38, 1-based): chr10:43,112,846, T>C. VCF-style: chr10-43112846-T-C. GRCh37 (hg19) VCF-style: chr10-43608294-T-C.
Other names: c.1649-7T>C (NM_020630.7, NM_001406743.1, NM_001406744.1 and 4 more transcripts); c.1253-7T>C (NM_001406772.1, NM_001406769.1); c.1211-7T>C (NM_001406773.1, NM_001406771.1); c.752-7T>C (NM_001406782.1, NM_001406780.1, NM_001406779.1 and 3 more transcripts); c.1520-7T>C (NM_001406764.1, NM_001406762.1, NM_001406761.1 and 1 more transcripts); c.1124-7T>C (NM_001406774.1); c.623-7T>C (NM_001406786.1, NM_001406783.1); c.1361-7T>C (NM_001406770.1, NM_001406766.1, NM_001406767.1); and 5 more.
Identifiers: ClinVar variation 700047 (VCV000700047.15), dbSNP rs758817204, ClinGen allele CA034922.

ClinVar aggregate classification (germline): Likely benign. Review status: criteria provided, multiple submitters, no conflicts (2 of 4 stars). 4 submissions from 4 submitters: Likely benign (4). Last evaluated 2026-09-01.

Conditions:
Multiple endocrine neoplasia, type 2 (MEN2). Identifiers: Orphanet 653, MedGen C4048306, MONDO:0019003. Disease mechanism: gain of function.
Multiple endocrine neoplasia type 2B. Also called: MUCOSAL NEUROMA SYNDROME; Multiple endocrine neoplasia, type 3; MULTIPLE ENDOCRINE NEOPLASIA, TYPE IIB; Multiple Endocrine Neoplasia Type 2B (MEN2B); MEN IIB; NEUROMATA, MUCOSAL, WITH ENDOCRINE TUMORS. Identifiers: Orphanet 247709, Orphanet 653, MedGen C0025269, MeSH D018814, MONDO:0008082, OMIM 162300.
Hirschsprung disease, susceptibility to, 1 (HSCR1). Also called: RET-Related Hirschsprung Disease. Identifiers: Orphanet 388, MedGen C3888239, MONDO:0007723, OMIM 142623.
Pheochromocytoma. Also called: MAX-Related Hereditary Paraganglioma-Pheochromocytoma Syndrome. Identifiers: Orphanet 29072, MedGen C0031511, MONDO:0008233, OMIM 171300, HP:0002666.
Multiple endocrine neoplasia type 2A. Also called: MULTIPLE ENDOCRINE NEOPLASIA, TYPE IIA; PTC SYNDROME; SIPPLE SYNDROME; MEN 2A; MEN-2A syndrome; Pheochromocytoma and amyloid producing medullary thyroid carcinoma. Identifiers: Orphanet 247698, Orphanet 653, MedGen C0025268, MeSH D018813, MONDO:0008234, OMIM 171400.
Familial medullary thyroid carcinoma (MTC). Also called: Familial Medullary Thyroid Carcinoma (FMTC); Thyroid cancer, familial medullary; MTC, familial. Identifiers: Orphanet 653, Orphanet 99361, MedGen C1833921, MONDO:0007958, OMIM 155240.

Allele frequency attached by ClinVar (database versions not stated): gnomAD 0.00001; TOPMed 0.00003; ExAC 0.00007; gnomAD exomes 0.00007.
gnomAD v4.1: 21 of 1,610,140 alleles (0.0013%); highest among the groups gnomAD compares: Admixed American, 0.033%; no homozygotes.

Submissions (4):

CeGaT Center for Human Genetics Tuebingen
Classification: Likely benign. Last evaluated: 2026-09-01. Review status: criteria provided, single submitter. Criteria: CeGaT Center For Human Genetics Tuebingen Variant Classification Criteria Version 2. Collection method: clinical testing. Allele origin: germline. Affected: yes. Observed: 1 variant allele.
Comment: RET: BP4

Labcorp Genetics (formerly Invitae), Labcorp
Classification: Likely benign for Multiple endocrine neoplasia, type 2. Last evaluated: 2026-02-04. Review status: criteria provided, single submitter. Criteria: Invitae Variant Classification Sherloc (09022015). Collection method: clinical testing. Allele origin: germline.

Women's Health and Genetics/Laboratory Corporation of America, LabCorp
Classification: Likely benign. Last evaluated: 2025-09-12. Review status: criteria provided, single submitter. Criteria: LabCorp Variant Classification Summary - May 2015. Collection method: clinical testing. Allele origin: germline.

Fulgent Genetics
Classification: Likely benign for Hirschsprung disease, susceptibility to, 1; Familial medullary thyroid carcinoma; Multiple endocrine neoplasia type 2B; Pheochromocytoma; Multiple endocrine neoplasia type 2A. Last evaluated: 2022-01-25. Review status: criteria provided, single submitter. Criteria: ACMG Guidelines, 2015. Collection method: clinical testing. Allele origin: unknown.